The following is an entry in ClinVar:

NM_000037.4(ANK1):c.669G>A (p.Gln223=)

Gene: ANK1 (ankyrin 1; minus strand). Cytogenetic location: 8p11.21.
Variant type: single nucleotide variant.
Coding change: c.669G>A on transcript NM_000037.4 (MANE Select); coding-DNA position 669, G replaced by A.
Protein change: p.Gln223=; no amino-acid change (glutamine 223 retained).
Molecular consequence: synonymous variant.
Genome position (GRCh38, 1-based): chr8:41,724,498, C>T on the plus strand (G>A on the coding strand, the complement: ANK1 is on the minus strand). VCF-style: chr8-41724498-C-T. GRCh37 (hg19) VCF-style: chr8-41582016-C-T.
Other names: c.669G>A (NM_020476.2); c.768G>A, p.Gln256= (NM_001142446.2); c.669G>A, p.Gln223= (NM_020475.3, NM_020476.3, NM_020477.3).
Identifiers: ClinVar variation 363045 (VCV000363045.8), dbSNP rs375060699, ClinGen allele CA4728908.

ClinVar aggregate classification (germline): Conflicting classifications of pathogenicity. Review status: criteria provided, conflicting classifications (1 of 4 stars). 4 submissions from 3 submitters: Uncertain significance (2); Likely benign (1). 1 of the submissions does not count toward it. Last evaluated 2023-12-06.

Conditions:
Spherocytosis. Identifiers: MedGen C0553720, HP:0004444.
ANK1-related disorder. Also called: ANK1-related condition.
Hereditary spherocytosis type 1. Also called: Spherocytosis type 1; ANK1-Related Spherocytosis. Identifiers: Orphanet 822, MedGen C2674218, MONDO:0008447, OMIM 182900.

Allele frequency attached by ClinVar (database versions not stated): TOPMed 0.00012; ESP Exome Variant Server 0.00015; gnomAD 0.00021; ExAC 0.00033.
gnomAD v4.1: 181 of 1,601,262 alleles (0.011%); highest among the groups gnomAD compares: Admixed American, 0.038%; no homozygotes.

Submissions (4):

ARUP Laboratories, Molecular Genetics and Genomics, ARUP Laboratories
Classification: Likely benign for Hereditary spherocytosis type 1. Last evaluated: 2023-12-06. Review status: criteria provided, single submitter. Criteria: ARUP Molecular Germline Variant Investigation Process 2024. Collection method: clinical testing. Allele origin: germline.

Illumina Laboratory Services, Illumina
Classification: Uncertain significance for Hereditary spherocytosis type 1. Last evaluated: 2018-01-12. Review status: criteria provided, single submitter. Criteria: ICSL Variant Classification Criteria 13 December 2019. Collection method: clinical testing. Allele origin: germline.

Illumina Laboratory Services, Illumina
Classification: Uncertain significance for Spherocytosis. Last evaluated: 2018-01-12. Review status: criteria provided, single submitter. Criteria: ICSL Variant Classification Criteria 13 December 2019. Collection method: clinical testing. Allele origin: germline.

PreventionGenetics, part of Exact Sciences
Classification: Likely benign for ANK1-related condition. Last evaluated: 2019-06-20. Review status: no assertion criteria provided. Collection method: clinical testing. Allele origin: germline. Not counted in ClinVar's aggregate classification.
Comment: This variant is classified as likely benign based on ACMG/AMP sequence variant interpretation guidelines (Richards et al. 2015 PMID: 25741868, with internal and published modifications).